The following is an entry in ClinVar:

ClinVar aggregate classification (germline): Benign. Review status: criteria provided, multiple submitters, no conflicts (2 of 4 stars). 2 submissions from 2 submitters: Benign (2). Last evaluated 2018-06-14.

Allele frequency attached by ClinVar (database versions not stated): TOPMed 0.11741; 1000 Genomes Project 30x 0.12570; 1000 Genomes Project 0.12999; gnomAD exomes 0.14222; gnomAD 0.14626 and 0.14692.
gnomAD v4.1: 51,842 of 360,946 alleles (14%); highest among the groups gnomAD compares: East Asian, 17%; 4,105 homozygotes.

Submissions (2):

GeneDx
Classification: Benign. Last evaluated: 2018-06-14. Review status: criteria provided, single submitter. Criteria: GeneDx Variant Classification (06012015). Collection method: clinical testing. Allele origin: germline. Affected: yes.
Comment: This variant is considered likely benign or benign based on one or more of the following criteria: it is a conservative change, it occurs at a poorly conserved position in the protein, it is predicted to be benign by multiple in silico algorithms, and/or has population frequency not consistent with disease.

Breakthrough Genomics
Classification: Benign. Review status: criteria provided, single submitter. Criteria: ACMG Guidelines, 2015. Collection method: not provided. Allele origin: germline. Inheritance: Autosomal recessive inheritance. Affected: yes.

NM_021939.4(FKBP10):c.728-276T>C

Gene: FKBP10 (FKBP prolyl isomerase 10; plus strand). Cytogenetic location: 17q21.2.
Variant type: single nucleotide variant.
Coding change: c.728-276T>C on transcript NM_021939.4 (MANE Select); 276 bases into the intron before coding-DNA position 728, T replaced by C.
Molecular consequence: intron variant.
Genome position (GRCh38, 1-based): chr17:41,818,934, T>C. VCF-style: chr17-41818934-T-C. GRCh37 (hg19) VCF-style: chr17-39975186-T-C.
Identifiers: ClinVar variation 671517 (VCV000671517.2), dbSNP rs34177433, ClinGen allele CA14475090.